The following is an entry in ClinVar:

ClinVar aggregate classification (germline): Benign (0 of 4 stars; one submission).

Conditions:
TAOK1-related disorder. Also called: TAOK1-related condition.

Allele frequency attached by ClinVar (database versions not stated): 1000 Genomes Project 0.27097; 1000 Genomes Project 30x 0.27358; TOPMed 0.36848; gnomAD 0.37689; ESP Exome Variant Server 0.38942; ExAC 0.40266; gnomAD exomes 0.45082.
gnomAD v4.1: 714,505 of 1,612,354 alleles (44%); highest among the groups gnomAD compares: Middle Eastern, 48%; 165,977 homozygotes.

Submission:

PreventionGenetics, part of Exact Sciences
Classification: Benign for TAOK1-related condition. Last evaluated: 2019-10-30. Review status: no assertion criteria provided. Collection method: clinical testing. Allele origin: germline.
Comment: This variant is classified as benign based on ACMG/AMP sequence variant interpretation guidelines (Richards et al. 2015 PMID: 25741868, with internal and published modifications).

NM_020791.4(TAOK1):c.2934G>A (p.Thr978=)

Gene: TAOK1 (TAO kinase 1; plus strand). Cytogenetic location: 17q11.2.
Variant type: single nucleotide variant.
Coding change: c.2934G>A on transcript NM_020791.4 (MANE Select); coding-DNA position 2934, G replaced by A.
Protein change: p.Thr978=; no amino-acid change (threonine 978 retained).
Molecular consequence: synonymous variant.
Genome position (GRCh38, 1-based): chr17:29,542,950, G>A. VCF-style: chr17-29542950-G-A. GRCh37 (hg19) VCF-style: chr17-27869968-G-A.
Other names: c.2490G>A, p.Thr830= (NM_025142.1).
Identifiers: ClinVar variation 3059315 (VCV003059315.2), dbSNP rs507577, ClinGen allele CA8474940.